The following is an entry in ClinVar:

NM_001039141.3(TRIOBP):c.676C>T (p.Arg226Trp)

Gene: TRIOBP (TRIO and F-actin binding protein; plus strand). Cytogenetic location: 22q13.1.
Variant type: single nucleotide variant.
Coding change: c.676C>T on transcript NM_001039141.3 (MANE Select); coding-DNA position 676, C replaced by T.
Protein change: p.Arg226Trp; replaces arginine 226 with tryptophan.
Molecular consequence: missense variant.
Genome position (GRCh38, 1-based): chr22:37,723,232, C>T. VCF-style: chr22-37723232-C-T. GRCh37 (hg19) VCF-style: chr22-38119239-C-T.
Other names: short protein forms R226W.
Identifiers: ClinVar variation 3359723 (VCV003359723.1).
Genomic context (GRCh38, chr22:37,723,232, plus strand): 5'-CTTCTCTCTCCAGACACCGGCGGTGGGGGCCGGAGCGCAGGACAGCACTGGGCAAGGCTC[C>T]GGGGAGAAAGCGGGTTGTCCCTGGAGCGGCACCGGTCAACACTGACCCAGGCTTCCTCCA-3'
Protein context (NP_001034230.1, residues 216-236): RSAGQHWARL[Arg226Trp]GESGLSLERH

ClinVar aggregate classification (germline): Uncertain significance (1 of 4 stars; one submission).

Submission:

GeneDx
Classification: Uncertain significance. Last evaluated: 2023-06-14. Review status: criteria provided, single submitter. Criteria: GeneDx Variant Classification Process June 2021. Collection method: clinical testing. Allele origin: germline. Affected: yes.
Comment: In silico analysis supports that this missense variant does not alter protein structure/function; Has not been previously published as pathogenic or benign to our knowledge